The following is an entry in ClinVar:

NM_006579.3(EBP):c.567dup (p.Val190fs)

Gene: EBP (EBP cholestenol delta-isomerase; plus strand). Cytogenetic location: Xp11.23.
Variant type: Duplication.
Coding change: c.567dup on transcript NM_006579.3 (MANE Select); coding-DNA position 567, one base duplicated (T; older notation c.567dupT).
Protein change: p.Val190fs; shifts the reading frame from valine 190.
Molecular consequence: frameshift variant.
Genome position (GRCh38, 1-based): chrX:48,528,331, T duplicated; the last of 3 consecutive T bases (chrX:48,528,329-48,528,331); duplicating any one gives the same sequence. VCF-style (leftmost placement, unchanged base first): chrX-48528328-C-CT. GRCh37 (hg19) VCF-style: chrX-48386716-C-CT.
Other names: short protein forms V190fs.
Identifiers: ClinVar variation 4293298 (VCV004293298.1).

ClinVar aggregate classification (germline): Likely pathogenic (1 of 4 stars; one submission).

Conditions:
Chondrodysplasia punctata 2 X-linked dominant (CDPX2). Also called: Hunermann-Conradi Syndrome; EBP-Related X-Linked Chondrodysplasia Punctata; CONRADI-HUNERMANN-HAPPLE SYNDROME; HAPPLE SYNDROME. Identifiers: Orphanet 35173, MedGen C0282102, MONDO:0020603, OMIM 302960.

Submission:

3billion
Classification: Likely pathogenic for Chondrodysplasia punctata 2 X-linked dominant. Last evaluated: 2024-06-04. Review status: criteria provided, single submitter. Criteria: ACMG Guidelines, 2015. Collection method: clinical testing. Allele origin: germline. Affected: yes.
Comment: The variant is not observed in the gnomAD v4.0.0 dataset. Predicted Consequence/Location: Frameshift: predicted to result in a loss or disruption of normal protein function through protein truncation. The predicted truncated protein may be shortened by more than 10%. Therefore, this variant is classified as Likely pathogenic according to the recommendation of ACMG/AMP guideline.